The following is an entry in ClinVar:

ClinVar aggregate classification (germline): Pathogenic. Review status: criteria provided, multiple submitters, no conflicts (2 of 4 stars). 3 submissions from 3 submitters: Pathogenic (3). Last evaluated 2024-04-23.

Conditions:
Hereditary nonpolyposis colorectal neoplasms. Identifiers: MedGen C0009405, MeSH D003123.
Lynch syndrome 5 (LYNCH5). Also called: Colorectal cancer, hereditary nonpolyposis, type 5; Hereditary non-polyposis colorectal cancer, type 5. Identifiers: Orphanet 144, MedGen C1833477, MONDO:0013710, OMIM 614350. Disease mechanism: loss of function.
Hereditary cancer-predisposing syndrome. Also called: Hereditary Cancer Syndrome; Hereditary neoplastic syndrome; Neoplastic Syndromes, Hereditary; Tumor predisposition. Identifiers: Orphanet 140162, MedGen C0027672, MeSH D009386, MONDO:0015356.

Submissions (3):

Labcorp Genetics (formerly Invitae), Labcorp
Classification: Pathogenic for Hereditary nonpolyposis colorectal neoplasms. Last evaluated: 2024-04-23. Review status: criteria provided, single submitter. Criteria: Invitae Variant Classification Sherloc (09022015). Collection method: clinical testing. Allele origin: germline.
Comment: This sequence change creates a premature translational stop signal (p.Asp1171Glufs*12) in the MSH6 gene. It is expected to result in an absent or disrupted protein product. Loss-of-function variants in MSH6 are known to be pathogenic (PMID: 18269114, 24362816). This variant is not present in population databases (gnomAD no frequency). This variant has not been reported in the literature in individuals affected with MSH6-related conditions. ClinVar contains an entry for this variant (Variation ID: 1431420). For these reasons, this variant has been classified as Pathogenic.

Myriad Genetics, Inc.
Classification: Pathogenic for Lynch syndrome 5. Last evaluated: 2023-08-24. Review status: criteria provided, single submitter. Criteria: Myriad Autosomal Dominant, Autosomal Recessive and X-Linked Classification Criteria (2023). Collection method: clinical testing. Allele origin: unknown.
Comment: This variant is considered pathogenic. This variant creates a frameshift predicted to result in premature protein truncation.

Ambry Genetics
Classification: Pathogenic for Hereditary cancer-predisposing syndrome. Last evaluated: 2022-05-27. Review status: criteria provided, single submitter. Criteria: Ambry Variant Classification Scheme 2023. Collection method: clinical testing. Allele origin: germline.
Comment: The c.3510_3513delTGAT pathogenic mutation, located in coding exon 6 of the MSH6 gene, results from a deletion of 4 nucleotides at nucleotide positions 3510 to 3513, causing a translational frameshift with a predicted alternate stop codon (p.D1171Efs*12). This alteration is expected to result in loss of function by premature protein truncation or nonsense-mediated mRNA decay. As such, this alteration is interpreted as a disease-causing mutation.

Literature cited by the submitters: PubMed 18269114 (cited by Labcorp Genetics (formerly Invitae), Labcorp); PubMed 24362816 (cited by Labcorp Genetics (formerly Invitae), Labcorp).

NM_000179.3(MSH6):c.3510_3513del (p.Asp1171fs)

Gene: MSH6 (mutS homolog 6; plus strand). Cytogenetic location: 2p16.3.
Variant type: Deletion.
Coding change: c.3510_3513del on transcript NM_000179.3 (MANE Select); coding-DNA positions 3510 to 3513, 4 bases deleted (TGAT; older notation c.3510_3513delTGAT).
Protein change: p.Asp1171fs; shifts the reading frame from aspartic acid 1171.
Molecular consequence: frameshift variant.
Genome position (GRCh38, 1-based): chr2:47,804,981-47,804,984, TGAT deleted; deleting any 4 consecutive bases within chr2:47,804,979-47,804,984 gives the same sequence; the c. name uses the placement nearest the transcript's 3' end. VCF-style (leftmost placement, unchanged base first): chr2-47804978-AATTG-A. GRCh37 (hg19) VCF-style: chr2-48032117-AATTG-A.
Other names: c.3120_3123del, p.Asp1041fs (NM_001281492.2); c.2604_2607del, p.Asp869fs (NM_001281493.2, NM_001281494.2); short protein forms D1041fs, D869fs, D1171fs.
Identifiers: ClinVar variation 1431420 (VCV001431420.9), dbSNP rs2104507637, ClinGen allele CA2573134742.